The following is an entry in ClinVar:

ClinVar aggregate classification (germline): Uncertain significance (1 of 4 stars; one submission).

Conditions:
Hereditary pancreatitis (PCTT). Also called: Hereditary chronic pancreatitis; PRSS1-Related Hereditary Pancreatitis. Identifiers: Orphanet 676, MedGen C0238339, MONDO:0008185, OMIM 167800.

Submission:

Ambry Genetics
Classification: Uncertain significance for Hereditary pancreatitis. Last evaluated: 2024-12-02. Review status: criteria provided, single submitter. Criteria: Ambry Variant Classification Scheme 2023. Collection method: clinical testing. Allele origin: germline.
Comment: The p.S142F variant (also known as c.425C>T), located in coding exon 3 of the PRSS1 gene, results from a C to T substitution at nucleotide position 425. The serine at codon 142 is replaced by phenylalanine, an amino acid with highly dissimilar properties. This amino acid position is conserved. In addition, this alteration is predicted to be deleterious by in silico analysis. Since supporting evidence is limited at this time, the clinical significance of this alteration remains unclear.

NM_002769.5(PRSS1):c.425C>T (p.Ser142Phe)

Genes: PRSS1 (serine protease 1; plus strand), TRB (T cell receptor beta locus; plus strand). Cytogenetic location: 7q34.
Variant type: single nucleotide variant.
Coding change: c.425C>T on transcript NM_002769.5 (MANE Select); coding-DNA position 425, C replaced by T.
Protein change: p.Ser142Phe; replaces serine 142 with phenylalanine.
Molecular consequence: missense variant. On other transcripts: non-coding transcript variant (5).
Genome position (GRCh38, 1-based): chr7:142,751,998, C>T. VCF-style: chr7-142751998-C-T. GRCh37 (hg19) VCF-style: chr7-142459849-C-T.
Other names: short protein forms S142F.
Identifiers: ClinVar variation 1739154 (VCV001739154.3), dbSNP rs2485754807, ClinGen allele CA369609168.